The following is an entry in ClinVar:

NM_015346.4(ZFYVE26):c.3761dup (p.Thr1255fs)

Gene: ZFYVE26 (zinc finger FYVE-type containing 26; minus strand). Cytogenetic location: 14q24.1.
Variant type: Duplication.
Coding change: c.3761dup on transcript NM_015346.4 (MANE Select); coding-DNA position 3761, one base duplicated (G; older notation c.3761dupG).
Protein change: p.Thr1255fs; shifts the reading frame from threonine 1255.
Molecular consequence: frameshift variant.
Genome position (GRCh38, 1-based): chr14:67,783,391, C duplicated on the plus strand (G on the coding strand, the reverse complement: ZFYVE26 is on the minus strand); the first of 3 consecutive C bases (chr14:67,783,391-67,783,393); duplicating any one gives the same sequence. VCF-style (leftmost placement, unchanged base first): chr14-67783390-A-AC. GRCh37 (hg19) VCF-style: chr14-68250107-A-AC.
Other names: short protein forms T1255fs.
Identifiers: ClinVar variation 5014494 (VCV005014494.1).
Genomic context (GRCh38, chr14:67,783,390, plus strand): 5'-GCTCGGTGTAGAAAGTGGGAGGTCATCCAGGCAGTGAGAGGCGTGTAGCTGGGCCAGAGT[A>AC]CCCAGACGAGTCAGGAGGGAGGAGGTCTGCTGGCTTTGCCGGGATGAGCAAAGAGCAAGG-3'

ClinVar aggregate classification (germline): Pathogenic (1 of 4 stars; one submission).

Conditions:
Hereditary spastic paraplegia 15 (SPG15). Also called: SPASTIC PARAPLEGIA 15, AUTOSOMAL RECESSIVE; KJELLIN SYNDROME; SPASTIC PARAPLEGIA AND RETINAL DEGENERATION. Identifiers: Orphanet 100996, MedGen C1849128, MONDO:0010044, OMIM 270700.

Submission:

Myriad Genetics, Inc.
Classification: Pathogenic for Hereditary spastic paraplegia 15. Last evaluated: 2025-05-22. Review status: criteria provided, single submitter. Criteria: Myriad Autosomal Dominant, Autosomal Recessive and X-Linked Classification Criteria (2023). Collection method: clinical testing. Allele origin: unknown.
Comment: NM_015346.3(ZFYVE26):c.3761dupG(T1255Yfs*13) is expected to be pathogenic in the context of spastic paraplegia type 15. This variant is predicted to lead to an abnormal or absent protein product due to the creation of a premature termination codon in ZFYVE26, a gene where loss-of-function variants are known to be pathogenic. Please note: this variant was assessed in the context of healthy population screening.